The following is an entry in ClinVar:

ClinVar aggregate classification (germline): Uncertain significance (1 of 4 stars; one submission).

Conditions:
Primary ciliary dyskinesia. Also called: Ciliary dyskinesia. Identifiers: Orphanet 244, MedGen C0008780, MONDO:0016575, HP:0012265.

Allele frequency attached by ClinVar (database versions not stated): ExAC 0.00001; gnomAD exomes 0.00001.
gnomAD v4.1: 3 of 1,612,246 alleles (0.00019%); highest among the groups gnomAD compares: South Asian, 0.0033%; no homozygotes.

Submission:

Labcorp Genetics (formerly Invitae), Labcorp
Classification: Uncertain significance for Primary ciliary dyskinesia. Last evaluated: 2022-09-01. Review status: criteria provided, single submitter. Criteria: Invitae Variant Classification Sherloc (09022015). Collection method: clinical testing. Allele origin: germline.
Comment: This sequence change replaces glutamic acid, which is acidic and polar, with glycine, which is neutral and non-polar, at codon 3824 of the DNAH8 protein (p.Glu3824Gly). The frequency data for this variant in the population databases is considered unreliable, as metrics indicate poor data quality at this position in the gnomAD database. This variant has not been reported in the literature in individuals affected with DNAH8-related conditions. ClinVar contains an entry for this variant (Variation ID: 937371). Algorithms developed to predict the effect of missense changes on protein structure and function are either unavailable or do not agree on the potential impact of this missense change (SIFT: "Deleterious"; PolyPhen-2: "Not Available"; Align-GVGD: "Class C0"). In summary, the available evidence is currently insufficient to determine the role of this variant in disease. Therefore, it has been classified as a Variant of Uncertain Significance.

NM_001206927.2(DNAH8):c.11471A>G (p.Glu3824Gly)

Genes: DNAH8 (dynein axonemal heavy chain 8; plus strand), DNAH8-AS1 (DNAH8 antisense RNA 1; minus strand). Cytogenetic location: 6p21.2.
Variant type: single nucleotide variant.
Coding change: c.11471A>G on transcript NM_001206927.2 (MANE Select); coding-DNA position 11471, A replaced by G.
Protein change: p.Glu3824Gly; replaces glutamic acid 3824 with glycine.
Molecular consequence: missense variant.
Genome position (GRCh38, 1-based): chr6:38,935,605, A>G. VCF-style: chr6-38935605-A-G. GRCh37 (hg19) VCF-style: chr6-38903381-A-G.
Other names: c.10820A>G, p.Glu3607Gly (NM_001371.4); short protein forms E3824G, E3607G.
Identifiers: ClinVar variation 937371 (VCV000937371.10), dbSNP rs765005496, ClinGen allele CA3791072.
Genomic context (GRCh38, chr6:38,935,605, plus strand): 5'-AACTGGTAATTATAGTTCCAATGTTATTTTTTGTTTTTTAATGACAGGAGTTAGAGGCTG[A>G]GAGGGTTAAACTTTTGGAGGATGTTACTTTTAATAAGCGGAAGATGAAAGAACTTGAAGA-3'
Protein context (NP_001193856.1, residues 3814-3834): ILTEKQELEA[Glu3824Gly]RVKLLEDVTF